The following is an entry in ClinVar:

ClinVar aggregate classification (germline): Uncertain significance (1 of 4 stars; one submission).

Allele frequency attached by ClinVar (database versions not stated): ExAC 0.00003.
gnomAD v4.1: 15 of 1,585,458 alleles (0.00095%); highest among the groups gnomAD compares: East Asian, 0.0068%; no homozygotes.

Submission:

Labcorp Genetics (formerly Invitae), Labcorp
Classification: Uncertain significance. Last evaluated: 2022-04-15. Review status: criteria provided, single submitter. Criteria: Invitae Variant Classification Sherloc (09022015). Collection method: clinical testing. Allele origin: germline.
Comment: The frequency data for this variant in the population databases is considered unreliable, as metrics indicate poor data quality at this position in the gnomAD database. This sequence change affects codon 529 of the TUBGCP6 mRNA. It is a 'silent' change, meaning that it does not change the encoded amino acid sequence of the TUBGCP6 protein. This variant has not been reported in the literature in individuals affected with TUBGCP6-related conditions. In summary, the available evidence is currently insufficient to determine the role of this variant in disease. Therefore, it has been classified as a Variant of Uncertain Significance. Algorithms developed to predict the effect of sequence changes on RNA splicing suggest that this variant may create or strengthen a splice site.

NM_020461.4(TUBGCP6):c.1587C>T (p.Cys529=)

Gene: TUBGCP6 (tubulin gamma complex component 6; minus strand). Cytogenetic location: 22q13.33.
Variant type: single nucleotide variant.
Coding change: c.1587C>T on transcript NM_020461.4 (MANE Select); coding-DNA position 1587, C replaced by T.
Protein change: p.Cys529=; no amino-acid change (cysteine 529 retained).
Molecular consequence: synonymous variant.
Genome position (GRCh38, 1-based): chr22:50,226,747, G>A on the plus strand (C>T on the coding strand, the complement: TUBGCP6 is on the minus strand). VCF-style: chr22-50226747-G-A. GRCh37 (hg19) VCF-style: chr22-50665176-G-A.
Identifiers: ClinVar variation 1909549 (VCV001909549.6), dbSNP rs750623199, ClinGen allele CA10308621.